The following is an entry in ClinVar:

ClinVar aggregate classification (germline): Uncertain significance (1 of 4 stars; one submission).

Conditions:
Peroxisome biogenesis disorder 3A (Zellweger). Also called: PEROXISOMAL BIOGENESIS DISORDER 3A (ZELLWEGER); Peroxisome biogenesis disorder 3A. Identifiers: Orphanet 912, MedGen C3553929, MONDO:0013927, OMIM 614859.

Submission:

Labcorp Genetics (formerly Invitae), Labcorp
Classification: Uncertain significance for Peroxisome biogenesis disorder 3A (Zellweger). Last evaluated: 2022-08-23. Review status: criteria provided, single submitter. Criteria: Invitae Variant Classification Sherloc (09022015). Collection method: clinical testing. Allele origin: germline.
Comment: This variant, c.391_408dup, results in the insertion of 6 amino acid(s) of the PEX12 protein (p.Glu131_Ser136dup), but otherwise preserves the integrity of the reading frame. This variant is not present in population databases (gnomAD no frequency). This variant has not been reported in the literature in individuals affected with PEX12-related conditions. ClinVar contains an entry for this variant (Variation ID: 1356872). Experimental studies and prediction algorithms are not available or were not evaluated, and the functional significance of this variant is currently unknown. In summary, the available evidence is currently insufficient to determine the role of this variant in disease. Therefore, it has been classified as a Variant of Uncertain Significance.

NM_000286.3(PEX12):c.391_408dup (p.Glu131_Ser136dup)

Gene: PEX12 (peroxisomal biogenesis factor 12; minus strand). Cytogenetic location: 17q12.
Variant type: Duplication.
Coding change: c.391_408dup on transcript NM_000286.3 (MANE Select); coding-DNA positions 391 to 408, 18 bases duplicated (GAGAAGCTGGTTTCTAGC).
Protein change: p.Glu131_Ser136dup.
Molecular consequence: inframe insertion.
Genome position (GRCh38, 1-based): chr17:35,577,310-35,577,327, GCTAGAAACCAGCTTCTC duplicated on the plus strand (GAGAAGCTGGTTTCTAGC on the coding strand, the reverse complement: PEX12 is on the minus strand). VCF-style (leftmost placement, unchanged base first): chr17-35577309-G-GGCTAGAAACCAGCTTCTC. GRCh37 (hg19) VCF-style: chr17-33904328-G-GGCTAGAAACCAGCTTCTC.
Identifiers: ClinVar variation 1356872 (VCV001356872.5), dbSNP rs2142230787, ClinGen allele CA2573153723.